The following is an entry in ClinVar:

ClinVar aggregate classification (germline): Uncertain significance (1 of 4 stars; one submission).

Submission:

GeneDx
Classification: Uncertain significance. Last evaluated: 2024-09-30. Review status: criteria provided, single submitter. Criteria: GeneDx Variant Classification Process June 2021. Collection method: clinical testing. Allele origin: germline. Affected: yes.
Comment: Not observed at significant frequency in large population cohorts (gnomAD); Frameshift variant predicted to result in protein truncation or nonsense mediated decay in a gene or region of a gene for which loss of function is not a well-established mechanism of disease; Has not been previously published as pathogenic or benign to our knowledge

NM_001098511.3(KIF2A):c.320_321insGG (p.Arg108fs)

Gene: KIF2A (kinesin family member 2A; plus strand). Cytogenetic location: 5q12.1.
Variant type: Insertion.
Coding change: c.320_321insGG on transcript NM_001098511.3 (MANE Select); coding-DNA positions 320 to 321, GG inserted.
Protein change: p.Arg108fs; shifts the reading frame from arginine 108.
Molecular consequence: frameshift variant.
Genome position: GRCh38 VCF-style: chr5-62350106-C-CGG. GRCh37 (hg19) VCF-style: chr5-61645933-C-CGG.
Other names: c.239_240insGG, p.Arg81fs (NM_001243952.2); c.320_321insGG, p.Arg108fs (NM_001243953.2, NM_004520.5); short protein forms R108fs, R81fs.
Identifiers: ClinVar variation 3774827 (VCV003774827.1).